The following is an entry in ClinVar:

NM_003070.5(SMARCA2):c.305C>G (p.Pro102Arg)

Gene: SMARCA2 (SWI/SNF related BAF chromatin remodeling complex subunit ATPase 2; plus strand). Cytogenetic location: 9p24.3.
Variant type: single nucleotide variant.
Coding change: c.305C>G on transcript NM_003070.5 (MANE Select); coding-DNA position 305, C replaced by G.
Protein change: p.Pro102Arg; replaces proline 102 with arginine.
Molecular consequence: missense variant.
Genome position (GRCh38, 1-based): chr9:2,033,031, C>G. VCF-style: chr9-2033031-C-G. GRCh37 (hg19) VCF-style: chr9-2033031-C-G.
Other names: c.305C>G, p.Pro102Arg (NM_001289396.2, NM_001289397.2, NM_139045.4); short protein forms P102R.
Identifiers: ClinVar variation 4772226 (VCV004772226.1).

ClinVar aggregate classification (germline): Uncertain significance (1 of 4 stars; one submission).

Submission:

Labcorp Genetics (formerly Invitae), Labcorp
Classification: Uncertain significance. Last evaluated: 2026-01-28. Review status: criteria provided, single submitter. Criteria: Invitae Variant Classification Sherloc (09022015). Collection method: clinical testing. Allele origin: germline.
Comment: This sequence change replaces proline, which is neutral and non-polar, with arginine, which is basic and polar, at codon 102 of the SMARCA2 protein (p.Pro102Arg). This variant is not present in population databases (gnomAD no frequency). This variant has not been reported in the literature in individuals affected with SMARCA2-related conditions. Invitae Evidence Modeling of protein sequence and biophysical properties (such as structural, functional, and spatial information, amino acid conservation, physicochemical variation, residue mobility, and thermodynamic stability) indicates that this missense variant is not expected to disrupt SMARCA2 protein function with a negative predictive value of 95%. In summary, the available evidence is currently insufficient to determine the role of this variant in disease. Therefore, it has been classified as a Variant of Uncertain Significance.